The following is an entry in ClinVar:

ClinVar aggregate classification (germline): Uncertain significance (1 of 4 stars; one submission).

Conditions:
Acute myeloid leukemia (AML). Also called: Acute myeloid leukemia, adult; AML adult; Acute non-lymphocytic leukemia; Acute granulocytic leukemia; Leukemia, acute myelogenous, somatic; Leukemia, acute myeloid, somatic. Identifiers: Orphanet 519, MedGen C0023467, MeSH D015470, MONDO:0018874, OMIM 601626, HP:0004808. Disease mechanism: Constitutively activated FLT3.

Submission:

Labcorp Genetics (formerly Invitae), Labcorp
Classification: Uncertain significance for Acute myeloid leukemia. Last evaluated: 2020-05-12. Review status: criteria provided, single submitter. Criteria: Invitae Variant Classification Sherloc (09022015). Collection method: clinical testing. Allele origin: germline.
Comment: This variant has not been reported in the literature in individuals with CEBPA-related conditions. In summary, the available evidence is currently insufficient to determine the role of this variant in disease. Therefore, it has been classified as a Variant of Uncertain Significance. Algorithms developed to predict the effect of missense changes on protein structure and function output the following: SIFT: "Tolerated"; PolyPhen-2: "Benign"; Align-GVGD: "Class C0". The serine amino acid residue is found in multiple mammalian species, suggesting that this missense change does not adversely affect protein function. These predictions have not been confirmed by published functional studies and their clinical significance is uncertain. The frequency data for this variant in the population databases is considered unreliable, as metrics indicate insufficient coverage at this position in the ExAC database. This sequence change replaces glycine with serine at codon 36 of the CEBPA protein (p.Gly36Ser). The glycine residue is moderately conserved and there is a small physicochemical difference between glycine and serine.

NM_004364.5(CEBPA):c.106G>A (p.Gly36Ser)

Gene: CEBPA (CCAAT enhancer binding protein alpha; minus strand). Cytogenetic location: 19q13.11.
Variant type: single nucleotide variant.
Coding change: c.106G>A on transcript NM_004364.5 (MANE Select); coding-DNA position 106, G replaced by A.
Protein change: p.Gly36Ser; replaces glycine 36 with serine.
Molecular consequence: missense variant. On other transcripts: 5 prime UTR variant (1).
Genome position (GRCh38, 1-based): chr19:33,302,309, C>T on the plus strand (G>A on the coding strand, the complement: CEBPA is on the minus strand). VCF-style: chr19-33302309-C-T. GRCh37 (hg19) VCF-style: chr19-33793215-C-T.
Other names: c.-252G>A (NM_001285829.2); c.211G>A, p.Gly71Ser (NM_001287424.2); c.64G>A, p.Gly22Ser (NM_001287435.2); short protein forms G22S, G36S, G71S.
Identifiers: ClinVar variation 1022362 (VCV001022362.9), dbSNP rs1967200117, ClinGen allele CA405275663.
Genomic context (GRCh38, chr19:33,302,309, plus strand): 5'-AGATGCCGCCCAGCGGCTCCGGGGCGGCAGGTGGGGCGGGAGGCTGCGCGGGGCCCGCGC[C>T]CCGGGGAAAGCCGAAGGCGGCGCTGCTGGGCGCGTGCGGGGGGCTCTGCAGGTGGCTGCT-3'
Protein context (NP_004355.2, residues 26-46): PSSAAFGFPR[Gly36Ser]AGPAQPPAPP